The following is an entry in ClinVar:

ClinVar aggregate classification (germline): Uncertain significance (1 of 4 stars; one submission).

Allele frequency attached by ClinVar (database versions not stated): gnomAD exomes 0.00001; ExAC 0.00001.

Submission:

Labcorp Genetics (formerly Invitae), Labcorp
Classification: Uncertain significance. Last evaluated: 2025-10-03. Review status: criteria provided, single submitter. Criteria: Invitae Variant Classification Sherloc (09022015). Collection method: clinical testing. Allele origin: germline.
Comment: This sequence change replaces proline, which is neutral and non-polar, with serine, which is neutral and polar, at codon 13 of the EXOSC2 protein (p.Pro13Ser). This variant is present in population databases (rs780803058, gnomAD 0.003%). This variant has not been reported in the literature in individuals affected with EXOSC2-related conditions. ClinVar contains an entry for this variant (Variation ID: 1970675). An algorithm developed to predict the effect of missense changes on protein structure and function (PolyPhen-2) suggests that this variant is likely to be tolerated. In summary, the available evidence is currently insufficient to determine the role of this variant in disease. Therefore, it has been classified as a Variant of Uncertain Significance.

NM_014285.7(EXOSC2):c.37C>T (p.Pro13Ser)

Gene: EXOSC2 (exosome component 2; plus strand). Cytogenetic location: 9q34.12.
Variant type: single nucleotide variant.
Coding change: c.37C>T on transcript NM_014285.7 (MANE Select); coding-DNA position 37, C replaced by T.
Protein change: p.Pro13Ser; replaces proline 13 with serine.
Molecular consequence: missense variant. On other transcripts: non-coding transcript variant (1).
Genome position (GRCh38, 1-based): chr9:130,693,828, C>T. VCF-style: chr9-130693828-C-T. GRCh37 (hg19) VCF-style: chr9-133569215-C-T.
Other names: c.37C>T, p.Pro13Ser (NM_001282708.1, NM_001282709.1); short protein forms P13S.
Identifiers: ClinVar variation 1970675 (VCV001970675.3), dbSNP rs780803058, ClinGen allele CA5284718.
Genomic context (GRCh38, chr9:130,693,828, plus strand): 5'-CCTGCGCAACTCATTGGCGCCAAGATGGCGATGGAGATGAGGCTTCCAGTGGCTCGCAAG[C>T]CTCTTAGCGAGAGACTGGGCCGCGACACTAAGAAACATCTAGTGGTGCCGGGGGATACAA-3'
Protein context (NP_055100.2, residues 3-23): MEMRLPVARK[Pro13Ser]LSERLGRDTK